The following is an entry in ClinVar:

ClinVar aggregate classification (germline): Conflicting classifications of pathogenicity. Review status: criteria provided, conflicting classifications (1 of 4 stars). 5 submissions from 5 submitters: Uncertain significance (2); Likely benign (2). 1 of the submissions does not count toward it. Last evaluated 2026-01-21.

Conditions:
Inborn genetic diseases. Identifiers: MedGen C0950123, MeSH D030342.
LAMC3-related disorder. Also called: LAMC3-related condition.

Allele frequency attached by ClinVar (database versions not stated): gnomAD exomes 0.00018 and 0.00027; ExAC 0.00034; gnomAD 0.00057 and 0.00060; TOPMed 0.00063; 1000 Genomes Project 0.00080; 1000 Genomes Project 30x 0.00094; ESP Exome Variant Server 0.00100.
gnomAD v4.1: 368 of 1,612,740 alleles (0.023%); highest among the groups gnomAD compares: African/African-American, 0.15%; 1 homozygote.

Submissions (5):

Labcorp Genetics (formerly Invitae), Labcorp
Classification: Likely benign. Last evaluated: 2026-01-21. Review status: criteria provided, single submitter. Criteria: Invitae Variant Classification Sherloc (09022015). Collection method: clinical testing. Allele origin: germline.

Blueprint Genetics
Classification: Uncertain significance. Last evaluated: 2024-10-14. Review status: criteria provided, single submitter. Criteria: ACMG Guidelines, 2015. Collection method: clinical testing. Allele origin: germline.

Ambry Genetics
Classification: Likely benign for Inborn genetic diseases. Last evaluated: 2021-06-23. Review status: criteria provided, single submitter. Criteria: Ambry Variant Classification Scheme 2023. Collection method: clinical testing. Allele origin: germline.

CeGaT Center for Human Genetics Tuebingen
Classification: Uncertain significance. Last evaluated: 2019-07-01. Review status: criteria provided, single submitter. Criteria: CeGaT Center For Human Genetics Tuebingen Variant Classification Criteria Version 2. Collection method: clinical testing. Allele origin: germline. Affected: yes. Observed: 1 variant allele.

PreventionGenetics, part of Exact Sciences
Classification: Likely benign for LAMC3-related condition. Last evaluated: 2024-06-04. Review status: no assertion criteria provided. Collection method: clinical testing. Allele origin: germline. Not counted in ClinVar's aggregate classification.
Comment: This variant is classified as likely benign based on ACMG/AMP sequence variant interpretation guidelines (Richards et al. 2015 PMID: 25741868, with internal and published modifications).

NM_006059.4(LAMC3):c.3319G>A (p.Gly1107Arg)

Gene: LAMC3 (laminin subunit gamma 3; plus strand). Cytogenetic location: 9q34.12.
Variant type: single nucleotide variant.
Coding change: c.3319G>A on transcript NM_006059.4 (MANE Select); coding-DNA position 3319, G replaced by A.
Protein change: p.Gly1107Arg; replaces glycine 1107 with arginine.
Molecular consequence: missense variant.
Genome position (GRCh38, 1-based): chr9:131,072,737, G>A. VCF-style: chr9-131072737-G-A. GRCh37 (hg19) VCF-style: chr9-133948124-G-A.
Other names: c.3319G>A (NM_006059.3); short protein forms G1107R.
Identifiers: ClinVar variation 872613 (VCV000872613.49), dbSNP rs144118534, ClinGen allele CA5287749.